The following is an entry in ClinVar:

ClinVar aggregate classification (germline): Uncertain significance (1 of 4 stars; one submission).

Conditions:
Cystic fibrosis (CF). Also called: MUCOVISCIDOSIS. Identifiers: Orphanet 586, MedGen C0010674, MONDO:0009061, OMIM 219700. Disease mechanism: loss of function.

Submission:

Ambry Genetics
Classification: Uncertain significance for Cystic fibrosis. Last evaluated: 2020-07-09. Review status: criteria provided, single submitter. Criteria: Ambry Variant Classification Scheme 2023. Collection method: clinical testing. Allele origin: germline.
Comment: The p.P1175L variant (also known as c.3524C>T), located in coding exon 22 of the CFTR gene, results from a C to T substitution at nucleotide position 3524. The proline at codon 1175 is replaced by leucine, an amino acid with similar properties. This amino acid position is poorly conserved in available vertebrate species. In addition, the in silico prediction for this alteration is inconclusive. Since supporting evidence is limited at this time, the clinical significance of this alteration remains unclear.

NM_000492.4(CFTR):c.3524C>T (p.Pro1175Leu)

Genes: CFTR (CF transmembrane conductance regulator; plus strand), CFTR-AS2 (CFTR antisense RNA 2; minus strand). Cytogenetic location: 7q31.2.
Variant type: single nucleotide variant.
Coding change: c.3524C>T on transcript NM_000492.4 (MANE Select); coding-DNA position 3524, C replaced by T.
Protein change: p.Pro1175Leu; replaces proline 1175 with leucine.
Molecular consequence: missense variant.
Genome position (GRCh38, 1-based): chr7:117,627,577, C>T. VCF-style: chr7-117627577-C-T. GRCh37 (hg19) VCF-style: chr7-117267631-C-T.
Other names: short protein forms P1175L.
Identifiers: ClinVar variation 1732294 (VCV001732294.2), dbSNP rs2485146199, ClinGen allele CA368996238.